The following is an entry in ClinVar:

ClinVar aggregate classification (germline): Uncertain significance (1 of 4 stars; one submission).

Conditions:
Hereditary cancer-predisposing syndrome. Also called: Neoplastic Syndromes, Hereditary; Tumor predisposition; Hereditary neoplastic syndrome; Hereditary Cancer Syndrome. Identifiers: Orphanet 140162, MedGen C0027672, MeSH D009386, MONDO:0015356.

Submission:

Ambry Genetics
Classification: Uncertain significance for Hereditary cancer-predisposing syndrome. Last evaluated: 2023-11-23. Review status: criteria provided, single submitter. Criteria: Ambry Variant Classification Scheme 2023. Collection method: clinical testing. Allele origin: germline.
Comment: The p.P1095T variant (also known as c.3283C>A), located in coding exon 21 of the RAD50 gene, results from a C to A substitution at nucleotide position 3283. The proline at codon 1095 is replaced by threonine, an amino acid with highly similar properties. This amino acid position is conserved. In addition, this alteration is predicted to be tolerated by in silico analysis. Since supporting evidence is limited at this time, the clinical significance of this alteration remains unclear.

NM_005732.4(RAD50):c.3283C>A (p.Pro1095Thr)

Gene: RAD50 (RAD50 double strand break repair protein; plus strand). Cytogenetic location: 5q31.1.
Variant type: single nucleotide variant.
Coding change: c.3283C>A on transcript NM_005732.4 (MANE Select); coding-DNA position 3283, C replaced by A.
Protein change: p.Pro1095Thr; replaces proline 1095 with threonine.
Molecular consequence: missense variant.
Genome position (GRCh38, 1-based): chr5:132,618,188, C>A. VCF-style: chr5-132618188-C-A. GRCh37 (hg19) VCF-style: chr5-131953880-C-A.
Other names: short protein forms P1095T.
Identifiers: ClinVar variation 3224973 (VCV003224973.1), dbSNP rs2479388599, ClinGen allele CA360964685.